The following is an entry in ClinVar:

NM_012193.4(FZD4):c.904T>A (p.Cys302Ser)

Genes: FZD4 (frizzled class receptor 4; minus strand), PRSS23 (serine protease 23; plus strand). Cytogenetic location: 11q14.2.
Variant type: single nucleotide variant.
Coding change: c.904T>A on transcript NM_012193.4 (MANE Select); coding-DNA position 904, T replaced by A.
Protein change: p.Cys302Ser; replaces cysteine 302 with serine.
Molecular consequence: missense variant. On other transcripts: non-coding transcript variant (2).
Genome position (GRCh38, 1-based): chr11:86,951,852, A>T on the plus strand (T>A on the coding strand, the complement: FZD4 is on the minus strand). VCF-style: chr11-86951852-A-T. GRCh37 (hg19) VCF-style: chr11-86662894-A-T.
Other names: c.904T>A (NM_012193.3); short protein forms C302S.
Identifiers: ClinVar variation 2013109 (VCV002013109.5), dbSNP rs1447260910, ClinGen allele CA382013885.

ClinVar aggregate classification (germline): Uncertain significance. Review status: criteria provided, multiple submitters, no conflicts (2 of 4 stars). 2 submissions from 2 submitters: Uncertain significance (2). Last evaluated 2025-10-23.

Allele frequency attached by ClinVar (database versions not stated): gnomAD exomes below 0.00001; gnomAD 0.00001; TOPMed 0.00001.
gnomAD v4.1: 2 of 1,613,662 alleles (0.00012%); highest among the groups gnomAD compares: African/African-American, 0.0027%; no homozygotes.

Submissions (2):

Labcorp Genetics (formerly Invitae), Labcorp
Classification: Uncertain significance. Last evaluated: 2025-10-23. Review status: criteria provided, single submitter. Criteria: Invitae Variant Classification Sherloc (09022015). Collection method: clinical testing. Allele origin: germline.
Comment: This sequence change replaces cysteine, which is neutral and slightly polar, with serine, which is neutral and polar, at codon 302 of the FZD4 protein (p.Cys302Ser). This variant is present in population databases (no rsID available, gnomAD 0.01%). This variant has not been reported in the literature in individuals affected with FZD4-related conditions. ClinVar contains an entry for this variant (Variation ID: 2013109). Invitae Evidence Modeling of protein sequence and biophysical properties (such as structural, functional, and spatial information, amino acid conservation, physicochemical variation, residue mobility, and thermodynamic stability) has been performed for this missense variant. However, the output from this modeling did not meet the statistical confidence thresholds required to predict the impact of this variant on FZD4 protein function. In summary, the available evidence is currently insufficient to determine the role of this variant in disease. Therefore, it has been classified as a Variant of Uncertain Significance.

GeneDx
Classification: Uncertain significance. Last evaluated: 2022-09-09. Review status: criteria provided, single submitter. Criteria: GeneDx Variant Classification Process June 2021. Collection method: clinical testing. Allele origin: germline. Affected: yes.
Comment: In silico analysis supports that this missense variant has a deleterious effect on protein structure/function; Has not been previously published as pathogenic or benign to our knowledge